The following is an entry in ClinVar:

ClinVar aggregate classification (germline): Uncertain significance (1 of 4 stars; one submission).

Submission:

Ambry Genetics
Classification: Uncertain significance. Last evaluated: 2026-04-15. Review status: criteria provided, single submitter. Criteria: Ambry Variant Classification Scheme 2023. Collection method: clinical testing. Allele origin: germline.
Comment: The c.2504T>C (p.I835T) alteration is located in exon 20 (coding exon 20) of the SMARCA1 gene. This alteration results from a T to C substitution at nucleotide position 2504, causing the isoleucine (I) at amino acid position 835 to be replaced by a threonine (T). Based on data from gnomAD, the C allele has an overall frequency of 0.001% (1/180534) total alleles studied. The highest observed frequency was 0.001% (1/81003) of European (non-Finnish) alleles. Based on insufficient or conflicting evidence, the clinical significance of this alteration remains unclear.

NM_001282874.2(SMARCA1):c.2504T>C (p.Ile835Thr)

Gene: SMARCA1 (SNF2 related chromatin remodeling ATPase 1; minus strand). Cytogenetic location: Xq25.
Variant type: single nucleotide variant.
Coding change: c.2504T>C on transcript NM_001282874.2 (MANE Select); coding-DNA position 2504, T replaced by C.
Protein change: p.Ile835Thr; replaces isoleucine 835 with threonine.
Molecular consequence: missense variant.
Genome position (GRCh38, 1-based): chrX:129,471,265, A>G on the plus strand (T>C on the coding strand, the complement: SMARCA1 is on the minus strand). VCF-style: chrX-129471265-A-G. GRCh37 (hg19) VCF-style: chrX-128605242-A-G.
Other names: c.2468T>C, p.Ile823Thr (NM_001282875.2, NM_001378262.1, NM_001378263.1 and 1 more transcripts); c.2504T>C, p.Ile835Thr (NM_001378261.1, NM_003069.5); short protein forms I823T, I835T.
Identifiers: ClinVar variation 4864729 (VCV004864729.1).